The following is an entry in ClinVar:

NM_000264.5(PTCH1):c.2704-1G>A

Gene: PTCH1 (patched 1; minus strand). Cytogenetic location: 9q22.32.
Variant type: single nucleotide variant.
Coding change: c.2704-1G>A on transcript NM_000264.5 (MANE Select); the canonical splice acceptor site of the intron before coding-DNA position 2704, G replaced by A.
Molecular consequence: splice acceptor variant.
Genome position (GRCh38, 1-based): chr9:95,459,784, C>T on the plus strand (G>A on the coding strand, the complement: PTCH1 is on the minus strand). VCF-style: chr9-95459784-C-T. GRCh37 (hg19) VCF-style: chr9-98222066-C-T.
Other names: c.2701-1G>A (NM_001083603.3); c.2506-1G>A (NM_001083602.3); c.2548-1G>A (NM_001354918.2); c.2251-1G>A (NM_001083605.3, NM_001083604.3, NM_001083606.3 and 1 more transcripts).
Identifiers: ClinVar variation 2196336 (VCV002196336.4), dbSNP rs1839301103, ClinGen allele CA374113265.
Genomic context (GRCh38, chr9:95,459,784, plus strand): 5'-GATGTAGAAAGCGCTGGGATTAATGATGCCATCTGCATCCACCAGACGCTGTTTAGTCAA[C>T]TACAAAAACGGGAAGAACAGAGGCCTTTGAGAATGGGGTTGGGGGTAAACACACTTCTGC-3'

ClinVar aggregate classification (germline): Likely pathogenic (1 of 4 stars; one submission).

Conditions:
Gorlin syndrome. Also called: Nevoid Basal Cell Carcinoma Syndrome; Basal cell nevus syndrome. Identifiers: Orphanet 377, MedGen C0004779, MONDO:0007187.

Allele frequency attached by ClinVar (database versions not stated): TOPMed below 0.00001; gnomAD 0.00001.
gnomAD v4.1: 1 of 1,613,966 alleles (0.000062%); highest among the groups gnomAD compares: Non-Finnish European, 0.000085%; no homozygotes.

Submission:

Labcorp Genetics (formerly Invitae), Labcorp
Classification: Likely pathogenic for Gorlin syndrome. Last evaluated: 2023-10-28. Review status: criteria provided, single submitter. Criteria: Invitae Variant Classification Sherloc (09022015). Collection method: clinical testing. Allele origin: germline.
Comment: This sequence change affects an acceptor splice site in intron 16 of the PTCH1 gene. It is expected to disrupt RNA splicing. Variants that disrupt the donor or acceptor splice site typically lead to a loss of protein function (PMID: 16199547), and loss-of-function variants in PTCH1 are known to be pathogenic (PMID: 16301862, 16419085). This variant is not present in population databases (gnomAD no frequency). This variant has not been reported in the literature in individuals affected with PTCH1-related conditions. ClinVar contains an entry for this variant (Variation ID: 2196336). Algorithms developed to predict the effect of sequence changes on RNA splicing suggest that this variant may disrupt the consensus splice site. In summary, the currently available evidence indicates that the variant is pathogenic, but additional data are needed to prove that conclusively. Therefore, this variant has been classified as Likely Pathogenic.

Literature cited by the submitters: PubMed 16199547; PubMed 16301862; PubMed 16419085.